The following is an entry in ClinVar:

ClinVar aggregate classification (germline): Uncertain significance (1 of 4 stars; one submission).

Conditions:
Fibrous dysplasia of jaw (CRBM). Also called: Cherubism. Identifiers: Orphanet 184, MedGen C0008029, MONDO:0007315, OMIM 118400.

gnomAD v4.1: 2 of 1,612,806 alleles (0.00012%); highest among the groups gnomAD compares: African/African-American, 0.0027%; no homozygotes.

Submission:

Labcorp Genetics (formerly Invitae), Labcorp
Classification: Uncertain significance for Fibrous dysplasia of jaw. Last evaluated: 2026-01-05. Review status: criteria provided, single submitter. Criteria: Invitae Variant Classification Sherloc (09022015). Collection method: clinical testing. Allele origin: germline.
Comment: This sequence change replaces proline, which is neutral and non-polar, with leucine, which is neutral and non-polar, at codon 280 of the SH3BP2 protein (p.Pro280Leu). This variant is not present in population databases (gnomAD no frequency). This variant has not been reported in the literature in individuals affected with SH3BP2-related conditions. Invitae Evidence Modeling of protein sequence and biophysical properties (such as structural, functional, and spatial information, amino acid conservation, physicochemical variation, residue mobility, and thermodynamic stability) indicates that this missense variant is not expected to disrupt SH3BP2 protein function with a negative predictive value of 95%. In summary, the available evidence is currently insufficient to determine the role of this variant in disease. Therefore, it has been classified as a Variant of Uncertain Significance.

NM_001122681.2(SH3BP2):c.839C>T (p.Pro280Leu)

Gene: SH3BP2 (SH3 domain binding protein 2; plus strand). Cytogenetic location: 4p16.3.
Variant type: single nucleotide variant.
Coding change: c.839C>T on transcript NM_001122681.2 (MANE Select); coding-DNA position 839, C replaced by T.
Protein change: p.Pro280Leu; replaces proline 280 with leucine.
Molecular consequence: missense variant.
Genome position (GRCh38, 1-based): chr4:2,829,745, C>T. VCF-style: chr4-2829745-C-T. GRCh37 (hg19) VCF-style: chr4-2831472-C-T.
Other names: c.923C>T, p.Pro308Leu (NM_001145855.2); c.1010C>T, p.Pro337Leu (NM_001145856.2); c.839C>T, p.Pro280Leu (NM_003023.4); short protein forms P280L, P308L, P337L.
Identifiers: ClinVar variation 4741373 (VCV004741373.1).